The following is an entry in ClinVar:

NM_020166.5(MCCC1):c.428A>T (p.Lys143Met)

Gene: MCCC1 (methylcrotonyl-CoA carboxylase subunit 1; minus strand). Cytogenetic location: 3q27.1.
Variant type: single nucleotide variant.
Coding change: c.428A>T on transcript NM_020166.5 (MANE Select); coding-DNA position 428, A replaced by T.
Protein change: p.Lys143Met; replaces lysine 143 with methionine.
Molecular consequence: missense variant. On other transcripts: non-coding transcript variant (2), intron variant (1).
Genome position (GRCh38, 1-based): chr3:183,072,429, T>A on the plus strand (A>T on the coding strand, the complement: MCCC1 is on the minus strand). VCF-style: chr3-183072429-T-A. GRCh37 (hg19) VCF-style: chr3-182790217-T-A.
Other names: c.428A>T (NM_020166.3); c.101A>T, p.Lys34Met (NM_001363880.1); c.141-1072A>T (NM_001293273.2); short protein forms K143M, K34M.
Identifiers: ClinVar variation 841074 (VCV000841074.5), dbSNP rs375326791, ClinGen allele CA2719075.

ClinVar aggregate classification (germline): Uncertain significance. Review status: criteria provided, multiple submitters, no conflicts (2 of 4 stars). 3 submissions from 3 submitters: Uncertain significance (2). 1 of the submissions does not count toward it. Last evaluated 2024-11-05.

Conditions:
Inborn genetic diseases. Identifiers: MedGen C0950123, MeSH D030342.
3-methylcrotonyl-CoA carboxylase 1 deficiency (MCC1D). Also called: MCCD TYPE 1; METHYLCROTONYLGLYCINURIA TYPE I; MCC 1 deficiency; 3 Alpha methylcrotonylglycinuria 1. Identifiers: Orphanet 6, MedGen CN028786, MONDO:0008861, OMIM 210200.

Allele frequency attached by ClinVar (database versions not stated): ExAC 0.00001; gnomAD 0.00002; gnomAD exomes 0.00003 and 0.00004; TOPMed 0.00007; ESP Exome Variant Server 0.00015.
gnomAD v4.1: 62 of 1,613,810 alleles (0.0038%); highest among the groups gnomAD compares: Admixed American, 0.013%; no homozygotes.

Submissions (3):

Labcorp Genetics (formerly Invitae), Labcorp
Classification: Uncertain significance for 3-methylcrotonyl-CoA carboxylase 1 deficiency. Last evaluated: 2024-11-05. Review status: criteria provided, single submitter. Criteria: Invitae Variant Classification Sherloc (09022015). Collection method: clinical testing. Allele origin: germline.
Comment: This sequence change replaces lysine, which is basic and polar, with methionine, which is neutral and non-polar, at codon 143 of the MCCC1 protein (p.Lys143Met). This variant is present in population databases (rs375326791, gnomAD 0.02%). This variant has not been reported in the literature in individuals affected with MCCC1-related conditions. ClinVar contains an entry for this variant (Variation ID: 841074). Invitae Evidence Modeling of protein sequence and biophysical properties (such as structural, functional, and spatial information, amino acid conservation, physicochemical variation, residue mobility, and thermodynamic stability) has been performed for this missense variant. However, the output from this modeling did not meet the statistical confidence thresholds required to predict the impact of this variant on MCCC1 protein function. In summary, the available evidence is currently insufficient to determine the role of this variant in disease. Therefore, it has been classified as a Variant of Uncertain Significance.

Ambry Genetics
Classification: Uncertain significance for Inborn genetic diseases. Last evaluated: 2021-08-10. Review status: criteria provided, single submitter. Criteria: Ambry Variant Classification Scheme 2023. Collection method: clinical testing. Allele origin: germline.

Natera, Inc.
Classification: Uncertain significance for 3-methylcrotonyl-CoA carboxylase 1 deficiency. Last evaluated: 2020-01-24. Review status: no assertion criteria provided. Collection method: clinical testing. Allele origin: germline. Not counted in ClinVar's aggregate classification.